The following is an entry in ClinVar:

NM_001089.3(ABCA3):c.2741A>G (p.Lys914Arg)

Gene: ABCA3 (ATP binding cassette subfamily A member 3; minus strand). Cytogenetic location: 16p13.3.
Variant type: single nucleotide variant.
Coding change: c.2741A>G on transcript NM_001089.3 (MANE Select); coding-DNA position 2741, A replaced by G.
Protein change: p.Lys914Arg; replaces lysine 914 with arginine.
Molecular consequence: missense variant.
Genome position (GRCh38, 1-based): chr16:2,288,289, T>C on the plus strand (A>G on the coding strand, the complement: ABCA3 is on the minus strand). VCF-style: chr16-2288289-T-C. GRCh37 (hg19) VCF-style: chr16-2338290-T-C.
Other names: short protein forms K914R.
Identifiers: ClinVar variation 2581630 (VCV002581630.6), dbSNP rs763862811, ClinGen allele CA276825063.

ClinVar aggregate classification (germline): Conflicting classifications of pathogenicity. Review status: criteria provided, conflicting classifications (1 of 4 stars). 3 submissions from 3 submitters: Pathogenic (1); Likely pathogenic (1); Uncertain significance (1). Last evaluated 2025-12-17.

Conditions:
Interstitial lung disease due to ABCA3 deficiency. Also called: PULMONARY ALVEOLAR PROTEINOSIS, CONGENITAL, 3. Identifiers: Orphanet 440402, MedGen C1970456, MONDO:0012582, OMIM 610921.

gnomAD v4.1: 4 of 1,576,932 alleles (0.00025%); highest among the groups gnomAD compares: Middle Eastern, 0.017%; no homozygotes.

Submissions (3):

Myriad Genetics, Inc.
Classification: Uncertain significance for Interstitial lung disease due to ABCA3 deficiency. Last evaluated: 2025-12-17. Review status: criteria provided, single submitter. Criteria: Myriad Autosomal Dominant, Autosomal Recessive and X-Linked Classification Criteria (2023). Collection method: clinical testing. Allele origin: unknown.
Comment: NM_001089.2(ABCA3):c.2741A>G(K914R) is a missense variant classified as a variant of uncertain significance in the context of surfactant deficiency, ABCA3-related. K914R has been observed in cases with relevant disease (PMID: 19647838, 23443156). Relevant functional assessments of this variant are not available in the literature. K914R has not been observed in referenced population frequency databases. In summary, there is insufficient evidence to classify NM_001089.2(ABCA3):c.2741A>G(K914R) as pathogenic or benign. Please note: this variant was assessed in the context of healthy population screening.

Women's Health and Genetics/Laboratory Corporation of America, LabCorp
Classification: Likely pathogenic for Interstitial lung disease due to ABCA3 deficiency. Last evaluated: 2023-08-10. Review status: criteria provided, single submitter. Criteria: LabCorp Variant Classification Summary - May 2015. Collection method: clinical testing. Allele origin: germline.
Comment: Variant summary: ABCA3 c.2741A>G (p.Lys914Arg) results in a conservative amino acid change in the encoded protein sequence. Four of five in-silico tools predict a damaging effect of the variant on protein function. The variant was absent in 192470 control chromosomes. c.2741A>G has been reported in the literature in homozygous and compound heterozygous individuals affected with Pulmonary surfactant metabolism dysfunction (e.g. Hamvas_2009, Kitazawa_2013, Wambach_2014, Kumata_2022). These data indicate that the variant is likely to be associated with disease. To our knowledge, no experimental evidence demonstrating an impact on protein function has been reported. The following publications have been ascertained in the context of this evaluation (PMID: 19647838, 23443156, 24871971, 36376106). No submitters have cited clinical-significance assessments for this variant to ClinVar after 2014. Based on the evidence outlined above, the variant was classified as likely pathogenic.

Labcorp Genetics (formerly Invitae), Labcorp
Classification: Pathogenic. Last evaluated: 2023-07-25. Review status: criteria provided, single submitter. Criteria: Invitae Variant Classification Sherloc (09022015). Collection method: clinical testing. Allele origin: germline.
Comment: Advanced modeling of protein sequence and biophysical properties (such as structural, functional, and spatial information, amino acid conservation, physicochemical variation, residue mobility, and thermodynamic stability) performed at Invitae indicates that this missense variant is expected to disrupt ABCA3 protein function. For these reasons, this variant has been classified as Pathogenic. This missense change has been observed in individual(s) with ABCA3-related conditions (PMID: 19647838, 23443156). It has also been observed to segregate with disease in related individuals. This sequence change replaces lysine, which is basic and polar, with arginine, which is basic and polar, at codon 914 of the ABCA3 protein (p.Lys914Arg). This variant is not present in population databases (gnomAD no frequency).

Literature cited by the submitters: PubMed 19647838 (cited by 3 submitters); PubMed 23443156 (cited by 3 submitters); PubMed 24871971 (cited by Women's Health and Genetics/Laboratory Corporation of America, LabCorp); PubMed 36376106 (cited by Women's Health and Genetics/Laboratory Corporation of America, LabCorp).